The following is an entry in ClinVar:

ClinVar aggregate classification (germline): Benign/Likely benign. Review status: criteria provided, multiple submitters, no conflicts (2 of 4 stars). 3 submissions from 3 submitters: Benign (1); Likely benign (2). Last evaluated 2019-12-06.

Conditions:
Ulnar-mammary syndrome (UMS). Also called: SCHINZEL SYNDROME; Ulnar-mammary syndrome of Pallister; PALLISTER ULNAR-MAMMARY SYNDROME. Identifiers: Orphanet 3138, MedGen C1866994, MONDO:0008411, OMIM 181450.

Allele frequency attached by ClinVar (database versions not stated): gnomAD exomes 0.01493; gnomAD 0.02066 and 0.02102; TOPMed 0.02091; 1000 Genomes Project 30x 0.02233; 1000 Genomes Project 0.02396.
gnomAD v4.1: 9,622 of 592,340 alleles (1.6%); highest among the groups gnomAD compares: East Asian, 5.2%; 148 homozygotes.

Submissions (3):

GeneDx
Classification: Likely benign. Last evaluated: 2019-12-06. Review status: criteria provided, single submitter. Criteria: GeneDx Variant Classification Process June 2021. Collection method: clinical testing. Allele origin: germline. Affected: yes.

Illumina Laboratory Services, Illumina
Classification: Benign for Ulnar-mammary syndrome. Last evaluated: 2018-01-13. Review status: criteria provided, single submitter. Criteria: ICSL Variant Classification Criteria 13 December 2019. Collection method: clinical testing. Allele origin: germline.
Comment: This variant was observed in the ICSL laboratory as part of a predisposition screen in an ostensibly healthy population. It had not been previously curated by ICSL or reported in the Human Gene Mutation Database (HGMD: prior to June 1st, 2018), and was therefore a candidate for classification through an automated scoring system. Utilizing variant allele frequency, disease prevalence and penetrance estimates, and inheritance mode, an automated score was calculated to assess if this variant is too frequent to cause the disease. Based on the score and internal cut-off values, a variant classified as benign is not then subjected to further curation. The score for this variant resulted in a classification of benign for this disease.

Breakthrough Genomics
Classification: Likely benign. Review status: criteria provided, single submitter. Criteria: ACMG Guidelines, 2015. Collection method: not provided. Allele origin: germline. Inheritance: Autosomal dominant inheritance. Affected: yes.

NM_005996.4(TBX3):c.*245C>T

Gene: TBX3 (T-box transcription factor 3; minus strand). Cytogenetic location: 12q24.21.
Variant type: single nucleotide variant.
Coding change: c.*245C>T on transcript NM_005996.4 (MANE Select); 245 bases downstream of the stop codon, C replaced by T.
Molecular consequence: 3 prime UTR variant.
Genome position (GRCh38, 1-based): chr12:114,671,596, G>A on the plus strand (C>T on the coding strand, the complement: TBX3 is on the minus strand). VCF-style: chr12-114671596-G-A. GRCh37 (hg19) VCF-style: chr12-115109401-G-A.
Other names: c.*245C>T (NM_016569.4).
Identifiers: ClinVar variation 307346 (VCV000307346.8), dbSNP rs77971713, ClinGen allele CA10641082.
Genomic context (GRCh38, chr12:114,671,596, plus strand): 5'-GACCCAGACCAGCCTTGCTGGAAGTTGCTCTGGACATAAATGTTGGAACTCCTACCCCCA[G>A]TAGCTCAATGCAACCGACGTTTCTGAGCCCCCAGAATCTGATCCAGATCCCGGACATATA-3'